The following is an entry in ClinVar:

NM_014991.6(WDFY3):c.97A>C (p.Thr33Pro)

Gene: WDFY3 (WD repeat and FYVE domain containing 3; minus strand). Cytogenetic location: 4q21.23.
Variant type: single nucleotide variant.
Coding change: c.97A>C on transcript NM_014991.6 (MANE Select); coding-DNA position 97, A replaced by C.
Protein change: p.Thr33Pro; replaces threonine 33 with proline.
Molecular consequence: missense variant.
Genome position (GRCh38, 1-based): chr4:84,860,495, T>G on the plus strand (A>C on the coding strand, the complement: WDFY3 is on the minus strand). VCF-style: chr4-84860495-T-G. GRCh37 (hg19) VCF-style: chr4-85781648-T-G.
Other names: short protein forms T33P.
Identifiers: ClinVar variation 3373218 (VCV003373218.1).

ClinVar aggregate classification (germline): Uncertain significance (1 of 4 stars; one submission).

Submission:

GeneDx
Classification: Uncertain significance. Last evaluated: 2024-04-29. Review status: criteria provided, single submitter. Criteria: GeneDx Variant Classification Process June 2021. Collection method: clinical testing. Allele origin: germline. Affected: yes.
Comment: Not observed at significant frequency in large population cohorts (gnomAD); In silico analysis supports that this missense variant has a deleterious effect on protein structure/function; Has not been previously published as pathogenic or benign to our knowledge